The following is an entry in ClinVar:

NM_001376.5(DYNC1H1):c.349G>A (p.Ala117Thr)

Gene: DYNC1H1 (dynein cytoplasmic 1 heavy chain 1; plus strand). Cytogenetic location: 14q32.31.
Variant type: single nucleotide variant.
Coding change: c.349G>A on transcript NM_001376.5 (MANE Select); coding-DNA position 349, G replaced by A.
Protein change: p.Ala117Thr; replaces alanine 117 with threonine.
Molecular consequence: missense variant.
Genome position (GRCh38, 1-based): chr14:101,979,323, G>A. VCF-style: chr14-101979323-G-A. GRCh37 (hg19) VCF-style: chr14-102445660-G-A.
Other names: short protein forms A117T.
Identifiers: ClinVar variation 1306071 (VCV001306071.2), dbSNP rs2141269349, ClinGen allele CA391007307.

ClinVar aggregate classification (germline): Uncertain significance (1 of 4 stars; one submission).

Submission:

GeneDx
Classification: Uncertain significance. Last evaluated: 2019-06-11. Review status: criteria provided, single submitter. Criteria: GeneDx Variant Classification Process June 2021. Collection method: clinical testing. Allele origin: germline. Affected: yes.
Comment: Not observed in large population cohorts (Lek et al., 2016); In silico analysis, which includes protein predictors and evolutionary conservation, supports that this variant does not alter protein structure/function; Has not been previously published as pathogenic or benign to our knowledge